The following is an entry in ClinVar:

NM_002016.2(FLG):c.5655C>T (p.His1885=)

Genes: CCDST (cervical cancer associated DHX9 suppressive transcript; plus strand), FLG (filaggrin; minus strand). Cytogenetic location: 1q21.3.
Variant type: single nucleotide variant.
Coding change: c.5655C>T on transcript NM_002016.2 (MANE Select); coding-DNA position 5655, C replaced by T.
Protein change: p.His1885=; no amino-acid change (histidine 1885 retained).
Molecular consequence: synonymous variant.
Genome position (GRCh38, 1-based): chr1:152,309,231, G>A on the plus strand (C>T on the coding strand, the complement: FLG is on the minus strand). VCF-style: chr1-152309231-G-A. GRCh37 (hg19) VCF-style: chr1-152281707-G-A.
Identifiers: ClinVar variation 3067413 (VCV003067413.21), dbSNP rs199567641, ClinGen allele CA1105663.

ClinVar aggregate classification (germline): Likely benign (1 of 4 stars; one submission).

Allele frequency attached by ClinVar (database versions not stated): gnomAD 0.00008; ExAC 0.00028; 1000 Genomes Project 30x 0.00062; 1000 Genomes Project 0.00080.
gnomAD v4.1: 140 of 1,613,316 alleles (0.0087%); highest among the groups gnomAD compares: East Asian, 0.2%; no homozygotes.

Submission:

CeGaT Center for Human Genetics Tuebingen
Classification: Likely benign. Last evaluated: 2024-03-01. Review status: criteria provided, single submitter. Criteria: CeGaT Center For Human Genetics Tuebingen Variant Classification Criteria Version 2. Collection method: clinical testing. Allele origin: germline. Affected: yes. Observed: 1 variant allele.
Comment: FLG: BP4, BP7